The following is an entry in ClinVar:

ClinVar aggregate classification (germline): Pathogenic. Review status: criteria provided, multiple submitters, no conflicts (2 of 4 stars). 2 submissions from 2 submitters: Pathogenic (2). Last evaluated 2025-07-01.

Conditions:
LYST-related disorder. Also called: LYST-related condition.
Chédiak-Higashi syndrome (CHS). Also called: Chediak-Higashi Syndrome. Identifiers: Orphanet 167, MedGen C0007965, MONDO:0008963, OMIM 214500.

Allele frequency attached by ClinVar (database versions not stated): ExAC 0.00001; gnomAD exomes 0.00001; gnomAD 0.00002; TOPMed 0.00002.

Submissions (2):

PreventionGenetics, part of Exact Sciences
Classification: Pathogenic for LYST-related condition. Last evaluated: 2025-07-01. Review status: criteria provided, single submitter. Criteria: ACMG Guidelines, 2015. Collection method: clinical testing. Allele origin: germline.
Comment: The LYST c.433C>T variant is predicted to result in premature protein termination (p.Arg145*). This variant has been reported in an individual with Chediak-Higashi syndrome (Yarnell et al. 2020. PubMed ID: 32990340). This variant is reported in 0.023% of alleles in individuals of European (Finnish) descent in gnomAD. Nonsense variants in LYST are expected to be pathogenic. This variant is interpreted as pathogenic.

Labcorp Genetics (formerly Invitae), Labcorp
Classification: Pathogenic for Chédiak-Higashi syndrome. Last evaluated: 2024-10-30. Review status: criteria provided, single submitter. Criteria: Invitae Variant Classification Sherloc (09022015). Collection method: clinical testing. Allele origin: germline.
Comment: This sequence change creates a premature translational stop signal (p.Arg145*) in the LYST gene. It is expected to result in an absent or disrupted protein product. Loss-of-function variants in LYST are known to be pathogenic (PMID: 9215679, 11857544). This variant is present in population databases (rs756867102, gnomAD 0.02%). This premature translational stop signal has been observed in individual(s) with Chediak-Higashi syndrome (PMID: 32990340). ClinVar contains an entry for this variant (Variation ID: 1926788). For these reasons, this variant has been classified as Pathogenic.

Literature cited by the submitters: PubMed 9215679 (cited by Labcorp Genetics (formerly Invitae), Labcorp); PubMed 11857544 (cited by Labcorp Genetics (formerly Invitae), Labcorp); PubMed 32990340 (cited by Labcorp Genetics (formerly Invitae), Labcorp).

NM_000081.4(LYST):c.433C>T (p.Arg145Ter)

Gene: LYST (lysosomal trafficking regulator; minus strand). Cytogenetic location: 1q42.3.
Variant type: single nucleotide variant.
Coding change: c.433C>T on transcript NM_000081.4 (MANE Select); coding-DNA position 433, C replaced by T.
Protein change: p.Arg145Ter; replaces arginine 145 with a stop codon.
Molecular consequence: nonsense.
Genome position (GRCh38, 1-based): chr1:235,810,385, G>A on the plus strand (C>T on the coding strand, the complement: LYST is on the minus strand). VCF-style: chr1-235810385-G-A. GRCh37 (hg19) VCF-style: chr1-235973685-G-A.
Other names: c.433C>T, p.Arg145Ter (NM_001301365.1); short protein forms R145*.
Identifiers: ClinVar variation 1926788 (VCV001926788.7), dbSNP rs756867102, ClinGen allele CA1467629.